The following is an entry in ClinVar:

ClinVar aggregate classification (germline): Uncertain significance. Review status: criteria provided, multiple submitters, no conflicts (2 of 4 stars). 2 submissions from 2 submitters: Uncertain significance (2). Last evaluated 2025-09-22.

Conditions:
Cardiovascular phenotype. Identifiers: MedGen CN230736.
Long QT syndrome (LQTS). Identifiers: MedGen C0023976, MeSH D008133, MONDO:0002442. Disease mechanism: loss of function. Inheritance: Various modes of inheritance.

Allele frequency attached by ClinVar (database versions not stated): ESP Exome Variant Server 0.00008.
gnomAD v4.1: 104 of 1,613,916 alleles (0.0064%); highest among the groups gnomAD compares: Non-Finnish European, 0.0082%; no homozygotes.

Submissions (2):

Labcorp Genetics (formerly Invitae), Labcorp
Classification: Uncertain significance for Long QT syndrome. Last evaluated: 2025-09-22. Review status: criteria provided, single submitter. Criteria: Invitae Variant Classification Sherloc (09022015). Collection method: clinical testing. Allele origin: germline.
Comment: This sequence change replaces aspartic acid, which is acidic and polar, with tyrosine, which is neutral and polar, at codon 3871 of the AKAP9 protein (p.Asp3871Tyr). This variant is present in population databases (rs376870775, gnomAD 0.008%). This variant has not been reported in the literature in individuals affected with AKAP9-related conditions. ClinVar contains an entry for this variant (Variation ID: 1736699). An algorithm developed to predict the effect of missense changes on protein structure and function (PolyPhen-2) suggests that this variant is likely to be disruptive. In summary, the available evidence is currently insufficient to determine the role of this variant in disease. Therefore, it has been classified as a Variant of Uncertain Significance.

Ambry Genetics
Classification: Uncertain significance for Cardiovascular phenotype. Last evaluated: 2025-08-10. Review status: criteria provided, single submitter. Criteria: Ambry Variant Classification Scheme 2023. Collection method: clinical testing. Allele origin: germline.

NM_005751.5(AKAP9):c.11611G>T (p.Asp3871Tyr)

Gene: AKAP9 (A-kinase anchoring protein 9; plus strand). Cytogenetic location: 7q21.2.
Variant type: single nucleotide variant.
Coding change: c.11611G>T on transcript NM_005751.5 (MANE Select); coding-DNA position 11611, G replaced by T.
Protein change: p.Asp3871Tyr; replaces aspartic acid 3871 with tyrosine.
Molecular consequence: missense variant.
Genome position (GRCh38, 1-based): chr7:92,108,558, G>T. VCF-style: chr7-92108558-G-T. GRCh37 (hg19) VCF-style: chr7-91737872-G-T.
Other names: c.6256G>T, p.Asp2086Tyr (NM_001379277.1); c.11587G>T, p.Asp3863Tyr (NM_147185.3); short protein forms D3871Y, D3863Y, D2086Y.
Identifiers: ClinVar variation 1736699 (VCV001736699.9), dbSNP rs376870775, ClinGen allele CA161905006.